The following is an entry in ClinVar:

ClinVar aggregate classification (germline): Uncertain significance (1 of 4 stars; one submission).

Conditions:
Hereditary spastic paraplegia 8 (SPG8). Also called: SPASTIC PARAPLEGIA 8, AUTOSOMAL DOMINANT. Identifiers: Orphanet 100989, MedGen C1863704, MONDO:0011339, OMIM 603563.
Ritscher-Schinzel syndrome. Also called: CRANIOCEREBELLOCARDIAC DYSPLASIA. Identifiers: Orphanet 7, MedGen C0796137, MONDO:0019078.

Allele frequency attached by ClinVar (database versions not stated): gnomAD exomes below 0.00001; TOPMed 0.00002.
gnomAD v4.1: 3 of 1,613,978 alleles (0.00019%); highest among the groups gnomAD compares: Admixed American, 0.0033%; no homozygotes.

Submission:

Labcorp Genetics (formerly Invitae), Labcorp
Classification: Uncertain significance for Ritscher-Schinzel syndrome; Hereditary spastic paraplegia 8. Last evaluated: 2022-08-20. Review status: criteria provided, single submitter. Criteria: Invitae Variant Classification Sherloc (09022015). Collection method: clinical testing. Allele origin: germline.
Comment: In summary, the available evidence is currently insufficient to determine the role of this variant in disease. Therefore, it has been classified as a Variant of Uncertain Significance. Algorithms developed to predict the effect of missense changes on protein structure and function (SIFT, PolyPhen-2, Align-GVGD) all suggest that this variant is likely to be tolerated. This variant has not been reported in the literature in individuals affected with WASHC5-related conditions. This variant is present in population databases (no rsID available, gnomAD 0.003%). This sequence change replaces valine, which is neutral and non-polar, with leucine, which is neutral and non-polar, at codon 460 of the WASHC5 protein (p.Val460Leu).

NM_014846.4(WASHC5):c.1378G>T (p.Val460Leu)

Gene: WASHC5 (WASH complex subunit 5; minus strand). Cytogenetic location: 8q24.13.
Variant type: single nucleotide variant.
Coding change: c.1378G>T on transcript NM_014846.4 (MANE Select); coding-DNA position 1378, G replaced by T.
Protein change: p.Val460Leu; replaces valine 460 with leucine.
Molecular consequence: missense variant.
Genome position (GRCh38, 1-based): chr8:125,063,552, C>A on the plus strand (G>T on the coding strand, the complement: WASHC5 is on the minus strand). VCF-style: chr8-125063552-C-A. GRCh37 (hg19) VCF-style: chr8-126075794-C-A.
Other names: c.934G>T, p.Val312Leu (NM_001330609.2); short protein forms V312L, V460L.
Identifiers: ClinVar variation 2183005 (VCV002183005.4), dbSNP rs1190367235, ClinGen allele CA372193095.